The following is an entry in ClinVar:

NM_006939.4(SOS2):c.1463T>G (p.Leu488Ter)

Gene: SOS2 (SOS Ras/Rho guanine nucleotide exchange factor 2; minus strand). Cytogenetic location: 14q21.3.
Variant type: single nucleotide variant.
Coding change: c.1463T>G on transcript NM_006939.4 (MANE Select); coding-DNA position 1463, T replaced by G.
Protein change: p.Leu488Ter; replaces leucine 488 with a stop codon.
Molecular consequence: nonsense.
Genome position (GRCh38, 1-based): chr14:50,159,820, A>C on the plus strand (T>G on the coding strand, the complement: SOS2 is on the minus strand). VCF-style: chr14-50159820-A-C. GRCh37 (hg19) VCF-style: chr14-50626538-A-C.
Other names: c.1364T>G, p.Leu455Ter (NM_001411020.1); short protein forms L455*, L488*.
Identifiers: ClinVar variation 3012714 (VCV003012714.3), dbSNP rs2502990339, ClinGen allele CA389645724.

ClinVar aggregate classification (germline): Uncertain significance (1 of 4 stars; one submission).

Conditions:
Noonan syndrome 9 (NS9). Identifiers: Orphanet 648, MedGen C4225282, MONDO:0014691, OMIM 616559.

Submission:

Labcorp Genetics (formerly Invitae), Labcorp
Classification: Uncertain significance for Noonan syndrome 9. Last evaluated: 2023-12-30. Review status: criteria provided, single submitter. Criteria: Invitae Variant Classification Sherloc (09022015). Collection method: clinical testing. Allele origin: germline.
Comment: This sequence change creates a premature translational stop signal (p.Leu488*) in the SOS2 gene. It is expected to result in an absent or disrupted protein product. However, the current clinical and genetic evidence is not sufficient to establish whether loss-of-function variants in SOS2 cause disease. This variant is not present in population databases (gnomAD no frequency). This variant has not been reported in the literature in individuals affected with SOS2-related conditions. In summary, the available evidence is currently insufficient to determine the role of this variant in disease. Therefore, it has been classified as a Variant of Uncertain Significance.